The following is an entry in ClinVar:

NM_000135.4(FANCA):c.14G>C (p.Trp5Ser)

Genes: FANCA (FA complementation group A; minus strand), LOC112486223 (Sharpr-MPRA regulatory region 3988; plus strand). Cytogenetic location: 16q24.3.
Variant type: single nucleotide variant.
Coding change: c.14G>C on transcript NM_000135.4 (MANE Select); coding-DNA position 14, G replaced by C.
Protein change: p.Trp5Ser; replaces tryptophan 5 with serine.
Molecular consequence: missense variant.
Genome position (GRCh38, 1-based): chr16:89,816,602, C>G on the plus strand (G>C on the coding strand, the complement: FANCA is on the minus strand). VCF-style: chr16-89816602-C-G. GRCh37 (hg19) VCF-style: chr16-89883010-C-G.
Other names: c.14G>C, p.Trp5Ser (NM_001018112.3, NM_001286167.3, NM_001351830.2); short protein forms W5S.
Identifiers: ClinVar variation 4619292 (VCV004619292.1).

ClinVar aggregate classification (germline): Uncertain significance (1 of 4 stars; one submission).

Conditions:
Inborn genetic diseases. Identifiers: MedGen C0950123, MeSH D030342.

gnomAD v4.1: 1 of 1,526,446 alleles (0.000066%); highest among the groups gnomAD compares: South Asian, 0.0012%; no homozygotes.

Submission:

Ambry Genetics
Classification: Uncertain significance for Inborn genetic diseases. Last evaluated: 2025-11-26. Review status: criteria provided, single submitter. Criteria: Ambry Variant Classification Scheme 2023. Collection method: clinical testing. Allele origin: germline.
Comment: The p.W5S variant (also known as c.14G>C), located in coding exon 1 of the FANCA gene, results from a G to C substitution at nucleotide position 14. The tryptophan at codon 5 is replaced by serine, an amino acid with highly dissimilar properties. This amino acid position is conserved. In addition, this alteration is predicted to be tolerated by in silico analysis. Based on the available evidence, the clinical significance of this variant remains unclear.